The following is an entry in ClinVar:

NM_002485.5(NBN):c.1009A>G (p.Thr337Ala)

Gene: NBN (nibrin; minus strand). Cytogenetic location: 8q21.3.
Variant type: single nucleotide variant.
Coding change: c.1009A>G on transcript NM_002485.5 (MANE Select); coding-DNA position 1009, A replaced by G.
Protein change: p.Thr337Ala; replaces threonine 337 with alanine.
Molecular consequence: missense variant.
Genome position (GRCh38, 1-based): chr8:89,958,840, T>C on the plus strand (A>G on the coding strand, the complement: NBN is on the minus strand). VCF-style: chr8-89958840-T-C. GRCh37 (hg19) VCF-style: chr8-90971068-T-C.
Other names: c.763A>G, p.Thr255Ala (NM_001024688.3); short protein forms T337A, T255A.
Identifiers: ClinVar variation 496157 (VCV000496157.14), dbSNP rs1554560492, ClinGen allele CA371656794.
Genomic context (GRCh38, chr8:89,958,840, plus strand): 5'-GGGCGCTTGGCATTAGTTTTTCATCAACTGACACGCCTTGTGAAAGGCTTGGTCCTGGAG[T>C]TGTTGTCTTTAATCCTGTAAATCACACAAGTAGAAAGAAAGAATCACAACTGCTAGATAG-3'
Protein context (NP_002476.2, residues 327-347): GHPSTGLKTT[Thr337Ala]PGPSLSQGVS

ClinVar aggregate classification (germline): Uncertain significance. Review status: criteria provided, multiple submitters, no conflicts (2 of 4 stars). 4 submissions from 4 submitters: Uncertain significance (4). Last evaluated 2023-09-15.

Conditions:
Hereditary cancer-predisposing syndrome. Also called: Tumor predisposition; Hereditary neoplastic syndrome; Neoplastic Syndromes, Hereditary; Hereditary Cancer Syndrome. Identifiers: Orphanet 140162, MedGen C0027672, MeSH D009386, MONDO:0015356.
Microcephaly, normal intelligence and immunodeficiency (NBS). Also called: Nijmegen breakage syndrome; Microcephaly with normal intelligence immunodeficiency and lymphoreticular malignancies; Nonsyndromal microcephaly autosomal recessive with normal intelligence; Seemanova syndrome 2; Ataxia telangiectasia variant V1; SEEMANOVA SYNDROME II. Identifiers: Orphanet 647, MedGen C0398791, MONDO:0009623, OMIM 251260.

Allele frequency attached by ClinVar (database versions not stated): gnomAD 0.00001.
gnomAD v4.1: 1 of 1,613,530 alleles (0.000062%); highest among the groups gnomAD compares: African/African-American, 0.0013%; no homozygotes.

Submissions (4):

Ambry Genetics
Classification: Uncertain significance for Hereditary cancer-predisposing syndrome. Last evaluated: 2023-09-15. Review status: criteria provided, single submitter. Criteria: Ambry Variant Classification Scheme 2023. Collection method: clinical testing. Allele origin: germline.
Comment: The p.T337A variant (also known as c.1009A>G), located in coding exon 9 of the NBN gene, results from an A to G substitution at nucleotide position 1009. The threonine at codon 337 is replaced by alanine, an amino acid with similar properties. This amino acid position is conserved. In addition, this alteration is predicted to be tolerated by in silico analysis. Since supporting evidence is limited at this time, the clinical significance of this alteration remains unclear.

Labcorp Genetics (formerly Invitae), Labcorp
Classification: Uncertain significance for Microcephaly, normal intelligence and immunodeficiency. Last evaluated: 2022-09-01. Review status: criteria provided, single submitter. Criteria: Invitae Variant Classification Sherloc (09022015). Collection method: clinical testing. Allele origin: germline.
Comment: This variant has not been reported in the literature in individuals affected with NBN-related conditions. ClinVar contains an entry for this variant (Variation ID: 496157). Algorithms developed to predict the effect of missense changes on protein structure and function (SIFT, PolyPhen-2, Align-GVGD) all suggest that this variant is likely to be tolerated. In summary, the available evidence is currently insufficient to determine the role of this variant in disease. Therefore, it has been classified as a Variant of Uncertain Significance. This variant is not present in population databases (gnomAD no frequency). This sequence change replaces threonine, which is neutral and polar, with alanine, which is neutral and non-polar, at codon 337 of the NBN protein (p.Thr337Ala).

Genome-Nilou Lab
Classification: Uncertain significance for Microcephaly, normal intelligence and immunodeficiency. Last evaluated: 2021-11-07. Review status: criteria provided, single submitter. Criteria: ACMG Guidelines, 2015. Collection method: clinical testing. Allele origin: germline. Affected: no.

Women's Health and Genetics/Laboratory Corporation of America, LabCorp
Classification: Uncertain significance. Last evaluated: 2017-06-23. Review status: criteria provided, single submitter. Criteria: LabCorp Variant Classification Summary - May 2015. Collection method: clinical testing. Allele origin: germline.
Comment: Variant summary: The NBN c.1009A>G (p.Thr337Ala) variant involves the alteration of a non-conserved nucleotide. 2/4 in silico tools predict a benign outcome for this variant. This variant is absent in 121342 control chromosomes. The variant of interest has not, to our knowledge, been reported in affected individuals via publications and/or reputable databases/clinical diagnostic laboratories; nor evaluated for functional impact by in vivo/vitro studies. Because of the absence of clinical information and the lack of functional studies, the variant is classified as a variant of uncertain significance (VUS) until additional information becomes available.